The following is an entry in ClinVar:

NM_001256007.3(PNPLA8):c.1813A>G (p.Ile605Val)

Gene: PNPLA8 (patatin like domain 8, phospholipase A2; minus strand). Cytogenetic location: 7q31.1.
Variant type: single nucleotide variant.
Coding change: c.1813A>G on transcript NM_001256007.3 (MANE Select); coding-DNA position 1813, A replaced by G.
Protein change: p.Ile605Val; replaces isoleucine 605 with valine.
Molecular consequence: missense variant. On other transcripts: intron variant (1).
Genome position (GRCh38, 1-based): chr7:108,487,824, T>C on the plus strand (A>G on the coding strand, the complement: PNPLA8 is on the minus strand). VCF-style: chr7-108487824-T-C. GRCh37 (hg19) VCF-style: chr7-108128268-T-C.
Other names: c.1813A>G, p.Ile605Val (NM_001256008.3, NM_015723.5); c.1513A>G, p.Ile505Val (NM_001256010.3, NM_001256011.3); c.1692+121A>G (NM_001256009.3); short protein forms I505V, I605V.
Identifiers: ClinVar variation 1917722 (VCV001917722.5), dbSNP rs1385939964, ClinGen allele CA368894061.

ClinVar aggregate classification (germline): Uncertain significance (1 of 4 stars; one submission).

Allele frequency attached by ClinVar (database versions not stated): gnomAD exomes below 0.00001; TOPMed 0.00001.
gnomAD v4.1: 6 of 1,613,694 alleles (0.00037%); highest among the groups gnomAD compares: East Asian, 0.011%; no homozygotes.

Submission:

Labcorp Genetics (formerly Invitae), Labcorp
Classification: Uncertain significance. Last evaluated: 2025-01-06. Review status: criteria provided, single submitter. Criteria: Invitae Variant Classification Sherloc (09022015). Collection method: clinical testing. Allele origin: germline.
Comment: This sequence change replaces isoleucine, which is neutral and non-polar, with valine, which is neutral and non-polar, at codon 605 of the PNPLA8 protein (p.Ile605Val). This variant is present in population databases (no rsID available, gnomAD 0.006%). This variant has not been reported in the literature in individuals affected with PNPLA8-related conditions. ClinVar contains an entry for this variant (Variation ID: 1917722). An algorithm developed to predict the effect of missense changes on protein structure and function (PolyPhen-2) suggests that this variant is likely to be disruptive. In summary, the available evidence is currently insufficient to determine the role of this variant in disease. Therefore, it has been classified as a Variant of Uncertain Significance.